The following is an entry in ClinVar:

NM_005378.6(MYCN):c.279G>C (p.Glu93Asp)

Genes: MYCN (MYCN proto-oncogene, bHLH transcription factor; plus strand), MYCNOS (MYCN opposite strand; minus strand). Cytogenetic location: 2p24.3.
Variant type: single nucleotide variant.
Coding change: c.279G>C on transcript NM_005378.6 (MANE Select); coding-DNA position 279, G replaced by C.
Protein change: p.Glu93Asp; replaces glutamic acid 93 with aspartic acid.
Molecular consequence: missense variant. On other transcripts: non-coding transcript variant (1), 3 prime UTR variant (1), intron variant (1).
Genome position (GRCh38, 1-based): chr2:15,942,343, G>C. VCF-style: chr2-15942343-G-C. GRCh37 (hg19) VCF-style: chr2-16082465-G-C.
Other names: c.279G>C, p.Glu93Asp (NM_001293228.2); c.*214G>C (NM_001293233.2); c.157+1600G>C (NM_001293231.2); short protein forms E93D.
Identifiers: ClinVar variation 2672800 (VCV002672800.27), dbSNP rs151113760, ClinGen allele CA1538153.

ClinVar aggregate classification (germline): Conflicting classifications of pathogenicity. Review status: criteria provided, conflicting classifications (1 of 4 stars). 3 submissions from 3 submitters: Uncertain significance (2); Likely benign (1). Last evaluated 2025-08-24.

Allele frequency attached by ClinVar (database versions not stated): ESP Exome Variant Server 0.00031.
gnomAD v4.1: 262 of 1,607,352 alleles (0.016%); highest among the groups gnomAD compares: Non-Finnish European, 0.021%; no homozygotes.

Submissions (3):

Labcorp Genetics (formerly Invitae), Labcorp
Classification: Uncertain significance. Last evaluated: 2025-08-24. Review status: criteria provided, single submitter. Criteria: Invitae Variant Classification Sherloc (09022015). Collection method: clinical testing. Allele origin: germline.
Comment: This sequence change replaces glutamic acid, which is acidic and polar, with aspartic acid, which is acidic and polar, at codon 93 of the MYCN protein (p.Glu93Asp). This variant is present in population databases (rs151113760, gnomAD 0.01%). This variant has not been reported in the literature in individuals affected with MYCN-related conditions. ClinVar contains an entry for this variant (Variation ID: 2672800). Invitae Evidence Modeling of protein sequence and biophysical properties (such as structural, functional, and spatial information, amino acid conservation, physicochemical variation, residue mobility, and thermodynamic stability) indicates that this missense variant is not expected to disrupt MYCN protein function with a negative predictive value of 95%. In summary, the available evidence is currently insufficient to determine the role of this variant in disease. Therefore, it has been classified as a Variant of Uncertain Significance.

Blueprint Genetics
Classification: Likely benign. Last evaluated: 2024-01-04. Review status: criteria provided, single submitter. Criteria: ACMG Guidelines, 2015. Collection method: clinical testing. Allele origin: germline.

CeGaT Center for Human Genetics Tuebingen
Classification: Uncertain significance. Last evaluated: 2023-11-01. Review status: criteria provided, single submitter. Criteria: CeGaT Center For Human Genetics Tuebingen Variant Classification Criteria Version 2. Collection method: clinical testing. Allele origin: germline. Affected: yes. Observed: 1 variant allele.